The following is an entry in ClinVar:

NM_033305.3(VPS13A):c.6326_6346delinsATATT (p.Pro2109fs)

Gene: VPS13A (vacuolar protein sorting 13 homolog A; plus strand). Cytogenetic location: 9q21.2.
Variant type: Indel.
Coding change: c.6326_6346delinsATATT on transcript NM_033305.3 (MANE Select); coding-DNA positions 6326 to 6346, CACCTATCCTGCTCCGAAATC replaced by ATATT.
Protein change: p.Pro2109fs; shifts the reading frame from proline 2109.
Molecular consequence: frameshift variant.
Genome position (GRCh38, 1-based): chr9:77,337,485-77,337,505, CACCTATCCTGCTCCGAAATC replaced by ATATT. VCF-style: chr9-77337485-CACCTATCCTGCTCCGAAATC-ATATT. GRCh37 (hg19) VCF-style: chr9-79952401-CACCTATCCTGCTCCGAAATC-ATATT.
Other names: c.6209_6229delinsATATT, p.Pro2070fs (NM_001018037.2); c.6326_6346delinsATATT, p.Pro2109fs (NM_001018038.3, NM_015186.4); short protein forms P2070fs, P2109fs.
Identifiers: ClinVar variation 5011420 (VCV005011420.1).

ClinVar aggregate classification (germline): Pathogenic (1 of 4 stars; one submission).

Conditions:
VPS13A-related neurodegenerative disease. Also called: ACANTHOCYTOSIS WITH NEUROLOGIC DISORDER; LEVINE-CRITCHLEY SYNDROME; Choreoacanthocytosis; Chorea-acanthocytosis; Choreaacanthocytosis; VPS13A Disease. Identifiers: Orphanet 2388, MedGen C0393576, MONDO:0008695, OMIM 200150.

Submission:

Myriad Genetics, Inc.
Classification: Pathogenic for VPS13A-related neurodegenerative disease. Last evaluated: 2023-08-21. Review status: criteria provided, single submitter. Criteria: Myriad Autosomal Dominant, Autosomal Recessive and X-Linked Classification Criteria (2023). Collection method: clinical testing. Allele origin: unknown.
Comment: NM_033305.2(VPS13A):c.6326_6346del21ins5(P2109Hfs*12) is expected to be pathogenic in the context of VPS13A disease. This variant is predicted to lead to an abnormal or absent protein product due to the creation of a premature termination codon in VPS13A, a gene where loss-of-function variants are known to be pathogenic. Please note: this variant was assessed in the context of healthy population screening.